The following is an entry in ClinVar:

ClinVar aggregate classification (germline): Likely benign (0 of 4 stars; one submission).

Conditions:
ARID2-related disorder. Also called: ARID2-related condition.

Allele frequency attached by ClinVar (database versions not stated): gnomAD 0.00001; gnomAD exomes 0.00001; TOPMed 0.00001.
gnomAD v4.1: 16 of 1,614,000 alleles (0.00099%); highest among the groups gnomAD compares: African/African-American, 0.0013%; no homozygotes.

Submission:

PreventionGenetics, part of Exact Sciences
Classification: Likely benign for ARID2-related condition. Last evaluated: 2019-11-04. Review status: no assertion criteria provided. Collection method: clinical testing. Allele origin: germline.
Comment: This variant is classified as likely benign based on ACMG/AMP sequence variant interpretation guidelines (Richards et al. 2015 PMID: 25741868, with internal and published modifications).

NM_152641.4(ARID2):c.3339G>A (p.Gly1113=)

Gene: ARID2 (AT-rich interaction domain 2; plus strand). Cytogenetic location: 12q12.
Variant type: single nucleotide variant.
Coding change: c.3339G>A on transcript NM_152641.4 (MANE Select); coding-DNA position 3339, G replaced by A.
Protein change: p.Gly1113=; no amino-acid change (glycine 1113 retained).
Molecular consequence: synonymous variant.
Genome position (GRCh38, 1-based): chr12:45,851,462, G>A. VCF-style: chr12-45851462-G-A. GRCh37 (hg19) VCF-style: chr12-46245245-G-A.
Other names: c.3339G>A, p.Gly1113= (NM_001347839.2).
Identifiers: ClinVar variation 3045223 (VCV003045223.2), dbSNP rs1390951505, ClinGen allele CA479692958.